The following is an entry in ClinVar:

NM_000829.4(GRIA4):c.481G>A (p.Asp161Asn)

Genes: GRIA4 (glutamate ionotropic receptor AMPA type subunit 4; plus strand), LOC126861324 (CDK7 strongly-dependent group 2 enhancer GRCh37_chr11:105623830-105625029; plus strand). Cytogenetic location: 11q22.3.
Variant type: single nucleotide variant.
Coding change: c.481G>A on transcript NM_000829.4 (MANE Select); coding-DNA position 481, G replaced by A.
Protein change: p.Asp161Asn; replaces aspartic acid 161 with asparagine.
Molecular consequence: missense variant. On other transcripts: non-coding transcript variant (1).
Genome position (GRCh38, 1-based): chr11:105,753,214, G>A. VCF-style: chr11-105753214-G-A. GRCh37 (hg19) VCF-style: chr11-105623940-G-A.
Other names: c.481G>A, p.Asp161Asn (NM_001077243.3, NM_001077244.2, NM_001112812.2); short protein forms D161N.
Identifiers: ClinVar variation 3375975 (VCV003375975.1).
Genomic context (GRCh38, chr11:105,753,214, plus strand): 5'-GCACTCTTGAGTTTGCTGGATCACTACGAATGGAACTGTTTTGTCTTCCTGTATGACACA[G>A]ACAGGGGTAAGTCCAGTTTCTTCATCTATTAGAGCAAAACTCTAATTTTCAATGTGAAAT-3'
Protein context (NP_000820.4, residues 151-171): WNCFVFLYDT[Asp161Asn]RGYSILQAIM

ClinVar aggregate classification (germline): Uncertain significance (1 of 4 stars; one submission).

Submission:

GeneDx
Classification: Uncertain significance. Last evaluated: 2024-05-05. Review status: criteria provided, single submitter. Criteria: GeneDx Variant Classification Process June 2021. Collection method: clinical testing. Allele origin: germline. Affected: yes.
Comment: Not observed at significant frequency in large population cohorts (gnomAD); In silico analysis supports that this missense variant has a deleterious effect on protein structure/function; Has not been previously published as pathogenic or benign to our knowledge